The following is an entry in ClinVar:

ClinVar aggregate classification (germline): Likely benign. Review status: criteria provided, single submitter (1 of 4 stars). 2 submissions from 2 submitters: Likely benign (1). 1 of the submissions does not count toward it. Last evaluated 2023-09-05.

Conditions:
PLXNA2-related disorder. Also called: PLXNA2-related condition.

Allele frequency attached by ClinVar (database versions not stated): gnomAD exomes 0.00006 and 0.00008; ExAC 0.00007; ESP Exome Variant Server 0.00008; 1000 Genomes Project 30x 0.00016; 1000 Genomes Project 0.00020; gnomAD 0.00029 and 0.00030; TOPMed 0.00042.
gnomAD v4.1: 148 of 1,613,982 alleles (0.0092%); highest among the groups gnomAD compares: African/African-American, 0.12%; 2 homozygotes.

Submissions (2):

Labcorp Genetics (formerly Invitae), Labcorp
Classification: Likely benign. Last evaluated: 2023-09-05. Review status: criteria provided, single submitter. Criteria: Invitae Variant Classification Sherloc (09022015). Collection method: clinical testing. Allele origin: germline.

PreventionGenetics, part of Exact Sciences
Classification: Likely benign for PLXNA2-related condition. Last evaluated: 2021-09-30. Review status: no assertion criteria provided. Collection method: clinical testing. Allele origin: germline. Not counted in ClinVar's aggregate classification.
Comment: This variant is classified as likely benign based on ACMG/AMP sequence variant interpretation guidelines (Richards et al. 2015 PMID: 25741868, with internal and published modifications).

NM_025179.4(PLXNA2):c.1452G>A (p.Arg484=)

Gene: PLXNA2 (plexin A2; minus strand). Cytogenetic location: 1q32.2.
Variant type: single nucleotide variant.
Coding change: c.1452G>A on transcript NM_025179.4 (MANE Select); coding-DNA position 1452, G replaced by A.
Protein change: p.Arg484=; no amino-acid change (arginine 484 retained).
Molecular consequence: synonymous variant.
Genome position (GRCh38, 1-based): chr1:208,142,383, C>T on the plus strand (G>A on the coding strand, the complement: PLXNA2 is on the minus strand). VCF-style: chr1-208142383-C-T. GRCh37 (hg19) VCF-style: chr1-208315728-C-T.
Other names: c.1452G>A (NM_025179.3).
Identifiers: ClinVar variation 1671859 (VCV001671859.10), dbSNP rs113086092, ClinGen allele CA1373842.